The following is an entry in ClinVar:

ClinVar aggregate classification (germline): Likely benign. Review status: criteria provided, single submitter (1 of 4 stars). 2 submissions from 2 submitters: Likely benign (1). 1 of the submissions does not count toward it. Last evaluated 2022-09-01.

Conditions:
ABCB7-related disorder. Also called: ABCB7-related condition.

Allele frequency attached by ClinVar (database versions not stated): gnomAD exomes below 0.00001.
gnomAD v4.1: 1 of 1,205,610 alleles (0.000083%); highest among the groups gnomAD compares: South Asian, 0.0018%; no homozygotes.

Submissions (2):

CeGaT Center for Human Genetics Tuebingen
Classification: Likely benign. Last evaluated: 2022-09-01. Review status: criteria provided, single submitter. Criteria: CeGaT Center For Human Genetics Tuebingen Variant Classification Criteria Version 2. Collection method: clinical testing. Allele origin: germline. Affected: yes. Observed: 1 variant allele.
Comment: ABCB7: PM2:Supporting, BP4, BP7

PreventionGenetics, part of Exact Sciences
Classification: Likely benign for ABCB7-related condition. Last evaluated: 2020-07-25. Review status: no assertion criteria provided. Collection method: clinical testing. Allele origin: germline. Not counted in ClinVar's aggregate classification.
Comment: This variant is classified as likely benign based on ACMG/AMP sequence variant interpretation guidelines (Richards et al. 2015 PMID: 25741868, with internal and published modifications).

NM_001271696.3(ABCB7):c.39C>A (p.Ala13=)

Genes: ABCB7 (ATP binding cassette subfamily B member 7; minus strand), LOC130068449 (ATAC-STARR-seq lymphoblastoid active region 29770; plus strand). Cytogenetic location: Xq13.3.
Variant type: single nucleotide variant.
Coding change: c.39C>A on transcript NM_001271696.3 (MANE Select); coding-DNA position 39, C replaced by A.
Protein change: p.Ala13=; no amino-acid change (alanine 13 retained).
Molecular consequence: synonymous variant.
Genome position (GRCh38, 1-based): chrX:75,156,234, G>T on the plus strand (C>A on the coding strand, the complement: ABCB7 is on the minus strand). VCF-style: chrX-75156234-G-T. GRCh37 (hg19) VCF-style: chrX-74376069-G-T.
Other names: c.39C>A, p.Ala13= (NM_001271697.3, NM_001271698.3, NM_001271699.3 and 1 more transcripts); c.39C>A (NM_004299.4).
Identifiers: ClinVar variation 2660944 (VCV002660944.25), dbSNP rs2519957054, ClinGen allele CA517281509.